The following is an entry in ClinVar:

ClinVar aggregate classification (germline): Likely pathogenic (1 of 4 stars; one submission).

Conditions:
Muscular dystrophy-dystroglycanopathy (congenital with impaired intellectual development), type B, 3. Also called: Muscular dystrophy-dystroglycanopathy (congenital with intellectual disability), type B3; MUSCULAR DYSTROPHY, CONGENITAL, POMGNT1-RELATED. Identifiers: MedGen C3150412, MONDO:0013155, OMIM 613151.
Autosomal recessive limb-girdle muscular dystrophy type 2O. Also called: Limb-Girdle Muscular Dystrophy Type 3C; MUSCULAR DYSTROPHY-DYSTROGLYCANOPATHY (LIMB-GIRDLE), TYPE C, 3; MUSCULAR DYSTROPHY-DYSTROGLYCANOPATHY, LIMB-GIRDLE, POMGNT1-RELATED. Identifiers: Orphanet 206564, MedGen C3150417, MONDO:0013161, OMIM 613157.

Submission:

Labcorp Genetics (formerly Invitae), Labcorp
Classification: Likely pathogenic for Autosomal recessive limb-girdle muscular dystrophy type 2O; Muscular dystrophy-dystroglycanopathy (congenital with impaired intellectual development), type B, 3. Last evaluated: 2021-06-20. Review status: criteria provided, single submitter. Criteria: Invitae Variant Classification Sherloc (09022015). Collection method: clinical testing. Allele origin: unknown.
Comment: This variant results in the deletion of exon 3 and part of exon 4 of the POMGNT1 gene. It is expected to disrupt RNA splicing. Variants that disrupt the donor or acceptor splice site typically lead to a loss of protein function (PMID: 16199547), and loss-of-function variants in POMGNT1 are known to be pathogenic (PMID: 19299310, 20816175, 21447391, 26908613, 27391550). This variant has not been reported in the literature in individuals affected with POMGNT1-related conditions. ClinVar contains an entry for this variant (Variation ID: 963060). In summary, the currently available evidence indicates that the variant is pathogenic, but additional data are needed to prove that conclusively. Therefore, this variant has been classified as Likely Pathogenic.

Literature cited by the submitters: PubMed 16199547; PubMed 19299310; PubMed 20816175; PubMed 21447391; PubMed 26908613; PubMed 27391550.

NC_000001.10:g.(?_46662492)_(46662823_?)del

Gene: POMGNT1 (protein O-linked mannose N-acetylglucosaminyltransferase 1 (beta 1,2-); minus strand). Cytogenetic location: 1p34.1.
Variant type: Deletion.
Identifiers: ClinVar variation 3247802 (VCV003247802.1).